The following is an entry in ClinVar:

NM_006767.3:c.(?_-1)_(*1_?)del

Gene: LZTR1 (leucine zipper like post translational regulator 1; plus strand).
Variant type: Deletion.
Identifiers: ClinVar variation 3256717 (VCV003256717.1).

ClinVar aggregate classification (germline): Pathogenic (1 of 4 stars; one submission).

Conditions:
LZTR1-related schwannomatosis. Also called: Schwannomatosis 2; Schwannomatosis-2, susceptibility to. Identifiers: Orphanet 93921, MedGen C3810283, MONDO:0014299, OMIM 615670.

Submission:

Clinical Genomics Laboratory, Stanford Medicine
Classification: Pathogenic for LZTR1-related schwannomatosis. Last evaluated: 2021-09-06. Review status: criteria provided, single submitter. Criteria: ACMG Guidelines, 2015. Collection method: clinical testing. Allele origin: germline. Affected: yes. Observed: 1 heterozygote.
Comment: This deletion includes all coding exons of the LZTR1 gene; however, the breakpoints of this deletion are unknown as they extend beyond the interrogated LZTR1 region. As a result, this deletion is expected to include additional genes and is likely consistent with the recurrent central 22q11.2 deletion (Burnside et al., 2015). This whole gene deletion is expected to result in an absent protein product. Loss-of-function variants in LZTR1 have been implicated in both autosomal recessive Noonan syndrome and autosomal dominant susceptibility to schwannomatosis (Dhamija et al., 2018; Johnston et al., 2018; Pagnamenta et al., 2019). However, the significance of a full gene deletion of LZTR1 in association with schwannomatosis has been questioned (Evans et al., 2021). An overlapping deletion which also includes the LZTR1 gene is present in 1/21,694 alleles from the Genome Aggregation Database (DEL_22_181500). Additionally, overlapping deletions similar in size are present at low frequencies in the Database of Genomic Variants (nsv523162; nsv1056614). Although deletions of this region have been seen in the general population, they are observed at a frequency low enough to be consistent with a recessive carrier status and/or a copy number variant associated with reduced penetrance. These data were assessed using the ACMG/ClinGen copy number variant interpretation guidelines. In summary, there is sufficient evidence to classify a full gene deletion of LZTR1 as pathogenic for autosomal recessive Noonan syndrome based on the information above.